The following is an entry in ClinVar:

NM_201384.3(PLEC):c.4316A>G (p.Gln1439Arg)

Gene: PLEC (plectin; minus strand). Cytogenetic location: 8q24.3.
Variant type: single nucleotide variant.
Coding change: c.4316A>G on transcript NM_201384.3 (MANE Select); coding-DNA position 4316, A replaced by G.
Protein change: p.Gln1439Arg; replaces glutamine 1439 with arginine.
Molecular consequence: missense variant. On other transcripts: intron variant (1).
Genome position (GRCh38, 1-based): chr8:143,925,613, T>C on the plus strand (A>G on the coding strand, the complement: PLEC is on the minus strand). VCF-style: chr8-143925613-T-C. GRCh37 (hg19) VCF-style: chr8-144999781-T-C.
Other names: c.4397A>G, p.Gln1466Arg (NM_000445.5); c.4274A>G, p.Gln1425Arg (NM_201378.4); c.4250A>G, p.Gln1417Arg (NM_201379.3); c.4727A>G, p.Gln1576Arg (NM_201380.4); c.4220A>G, p.Gln1407Arg (NM_201381.3); c.4316A>G, p.Gln1439Arg (NM_201382.4); c.4328A>G, p.Gln1443Arg (NM_201383.3); c.4125+1171A>G (NM_001410941.1); short protein forms Q1439R, Q1407R, Q1443R, Q1417R, Q1425R, Q1466R, Q1576R.
Identifiers: ClinVar variation 2929914 (VCV002929914.3), dbSNP rs782531083, ClinGen allele CA4926707.

ClinVar aggregate classification (germline): Uncertain significance (1 of 4 stars; one submission).

Conditions:
Epidermolysis bullosa simplex with nail dystrophy (EBS5D). Identifiers: MedGen C4225309, MONDO:0014661, OMIM 616487.
Epidermolysis bullosa simplex 5B, with muscular dystrophy (EBS5B). Also called: EPIDERMOLYSIS BULLOSA SIMPLEX AND LIMB-GIRDLE MUSCULAR DYSTROPHY; Epidermolysis bullosa simplex with muscular dystrophy. Identifiers: Orphanet 257, MedGen C2931072, MONDO:0009181, OMIM 226670.
Epidermolysis bullosa simplex 5C, with pyloric atresia (EBS5C). Also called: PLEC-Related Epidermolysis Bullosa with Pyloric Atresia; Epidermolysis bullosa simplex with pyloric atresia; PLEC1-Related Epidermolysis Bullosa with Pyloric Atresia. Identifiers: Orphanet 158684, MedGen C2677349, MONDO:0012807, OMIM 612138.
Autosomal recessive limb-girdle muscular dystrophy type 2Q (LGMDR17). Also called: MUSCULAR DYSTROPHY, LIMB-GIRDLE, AUTOSOMAL RECESSIVE 17. Identifiers: Orphanet 254361, MedGen C3150989, MONDO:0013390, OMIM 613723.
Epidermolysis bullosa simplex, Ogna type (EBS5A). Also called: Pidermolysis bullosa simplex 5A, Ogna type; EPIDERMOLYSIS BULLOSA SIMPLEX 5A, OGNA TYPE. Identifiers: Orphanet 79401, MedGen C0432317, MONDO:0007555, OMIM 131950.

Allele frequency attached by ClinVar (database versions not stated): gnomAD 0.00001; TOPMed 0.00001; ExAC 0.00002.

Submission:

Labcorp Genetics (formerly Invitae), Labcorp
Classification: Uncertain significance for Autosomal recessive limb-girdle muscular dystrophy type 2Q; Epidermolysis bullosa simplex, Ogna type; Epidermolysis bullosa simplex with nail dystrophy; Epidermolysis bullosa simplex 5C, with pyloric atresia; Epidermolysis bullosa simplex 5B, with muscular dystrophy. Last evaluated: 2023-09-14. Review status: criteria provided, single submitter. Criteria: Invitae Variant Classification Sherloc (09022015). Collection method: clinical testing. Allele origin: germline.
Comment: In summary, the available evidence is currently insufficient to determine the role of this variant in disease. Therefore, it has been classified as a Variant of Uncertain Significance. Advanced modeling of protein sequence and biophysical properties (such as structural, functional, and spatial information, amino acid conservation, physicochemical variation, residue mobility, and thermodynamic stability) has been performed at Invitae for this missense variant, however the output from this modeling did not meet the statistical confidence thresholds required to predict the impact of this variant on PLEC protein function. This variant has not been reported in the literature in individuals affected with PLEC-related conditions. The frequency data for this variant in the population databases is considered unreliable, as metrics indicate poor data quality at this position in the gnomAD database. This sequence change replaces glutamine, which is neutral and polar, with arginine, which is basic and polar, at codon 1466 of the PLEC protein (p.Gln1466Arg).